The following is an entry in ClinVar:

NM_001080414.4(CCDC88C):c.3641G>T (p.Gly1214Val)

Gene: CCDC88C (coiled-coil domain containing 88C; minus strand). Cytogenetic location: 14q32.11.
Variant type: single nucleotide variant.
Coding change: c.3641G>T on transcript NM_001080414.4 (MANE Select); coding-DNA position 3641, G replaced by T.
Protein change: p.Gly1214Val; replaces glycine 1214 with valine.
Molecular consequence: missense variant. On other transcripts: non-coding transcript variant (2).
Genome position (GRCh38, 1-based): chr14:91,300,065, C>A on the plus strand (G>T on the coding strand, the complement: CCDC88C is on the minus strand). VCF-style: chr14-91300065-C-A. GRCh37 (hg19) VCF-style: chr14-91766409-C-A.
Other names: p.Gly1214Val; short protein forms G1214V.
Identifiers: ClinVar variation 3380233 (VCV003380233.1).

ClinVar aggregate classification (germline): Uncertain significance (1 of 4 stars; one submission).

gnomAD v4.1: 8 of 1,607,832 alleles (0.0005%); highest among the groups gnomAD compares: Admixed American, 0.013%; no homozygotes.

Submission:

Mayo Clinic Laboratories, Mayo Clinic
Classification: Uncertain significance. Last evaluated: 2024-08-14. Review status: criteria provided, single submitter. Criteria: ACMG Guidelines, 2015. Collection method: clinical testing. Allele origin: germline. Observed: 1 variant allele.
Comment: BP4